The following is an entry in ClinVar:

ClinVar aggregate classification (germline): Uncertain significance (1 of 4 stars; one submission).

Conditions:
Transcobalamin II deficiency (TCN2D). Also called: TC II DEFICIENCY; TCN2 DEFICIENCY; Transcolabamin II deficiency. Identifiers: Orphanet 859, MedGen C0342701, MONDO:0010149, OMIM 275350.

Submission:

Labcorp Genetics (formerly Invitae), Labcorp
Classification: Uncertain significance for Transcobalamin II deficiency. Last evaluated: 2025-02-22. Review status: criteria provided, single submitter. Criteria: Invitae Variant Classification Sherloc (09022015). Collection method: clinical testing. Allele origin: germline.
Comment: This sequence change falls in intron 3 of the TCN2 gene. It does not directly change the encoded amino acid sequence of the TCN2 protein. It affects a nucleotide within the consensus splice site. This variant is not present in population databases (gnomAD no frequency). This variant has not been reported in the literature in individuals affected with TCN2-related conditions. Variants that disrupt the consensus splice site are a relatively common cause of aberrant splicing (PMID: 17576681, 9536098). Algorithms developed to predict the effect of sequence changes on RNA splicing suggest that this variant is not likely to affect RNA splicing. In summary, the available evidence is currently insufficient to determine the role of this variant in disease. Therefore, it has been classified as a Variant of Uncertain Significance.

Literature cited by the submitters: PubMed 17576681; PubMed 9536098.

NM_000355.4(TCN2):c.427+6C>T

Gene: TCN2 (transcobalamin 2; plus strand). Cytogenetic location: 22q12.2.
Variant type: single nucleotide variant.
Coding change: c.427+6C>T on transcript NM_000355.4 (MANE Select); 6 bases into the intron after coding-DNA position 427, C replaced by T.
Molecular consequence: intron variant.
Genome position (GRCh38, 1-based): chr22:30,613,048, C>T. VCF-style: chr22-30613048-C-T. GRCh37 (hg19) VCF-style: chr22-31009035-C-T.
Other names: c.346+87C>T (NM_001184726.2).
Identifiers: ClinVar variation 4772212 (VCV004772212.1).
Genomic context (GRCh38, chr22:30,613,048, plus strand): 5'-GACAGGCTGGTCTCACAGCTCAAATGGTTCCTGGAGGATGAGAAGAGAGCCATTGGTGAG[C>T]AGACACCATCCGCTGGGGGTGGGGAGCAGCTGGGAGGGCTCATCAGATGATATTCTCCAA-3'